The following is an entry in ClinVar:

ClinVar aggregate classification (germline): Conflicting classifications of pathogenicity. Review status: criteria provided, conflicting classifications (1 of 4 stars). 2 submissions from 2 submitters: Uncertain significance (1); Likely benign (1). Last evaluated 2026-05-18.

Conditions:
Generalized juvenile polyposis/juvenile polyposis coli. Also called: Juvenile polyposis coli. Identifiers: Orphanet 329971, MedGen C1868081, MONDO:0008276.
BMPR1A-related disorder. Also called: BMPR1A-related condition.

Allele frequency attached by ClinVar (database versions not stated): gnomAD 0.00012 and 0.00013; TOPMed 0.00013.

Submissions (2):

PreventionGenetics, part of Exact Sciences
Classification: Likely benign for BMPR1A-related condition. Last evaluated: 2026-05-18. Review status: criteria provided, single submitter. Criteria: ACMG Guidelines, 2015. Collection method: clinical testing. Allele origin: germline.
Comment: This variant is classified as likely benign based on ACMG/AMP sequence variant interpretation guidelines (Richards et al. 2015 PMID: 25741868, with internal and published modifications).

Illumina Laboratory Services, Illumina
Classification: Uncertain significance for Juvenile polyposis syndrome. Last evaluated: 2018-01-12. Review status: criteria provided, single submitter. Criteria: ICSL Variant Classification Criteria 13 December 2019. Collection method: clinical testing. Allele origin: germline.

NM_004329.3(BMPR1A):c.-473G>A

Genes: BMPR1A (bone morphogenetic protein receptor type 1A; plus strand), LOC130004245 (ATAC-STARR-seq lymphoblastoid silent region 2573; plus strand). Cytogenetic location: 10q23.2.
Variant type: single nucleotide variant.
Coding change: c.-473G>A on transcript NM_004329.3 (MANE Select); 473 bases upstream of the start codon, G replaced by A.
Molecular consequence: 5 prime UTR variant.
Genome position (GRCh38, 1-based): chr10:86,756,714, G>A. VCF-style: chr10-86756714-G-A. GRCh37 (hg19) VCF-style: chr10-88516471-G-A.
Identifiers: ClinVar variation 301345 (VCV000301345.6), dbSNP rs886047357, ClinGen allele CA10636321.